The following is an entry in ClinVar:

NM_130384.3(ATRIP):c.1801C>G (p.Pro601Ala)

Genes: ATRIP (ATR interacting protein; plus strand), ATRIP-TREX1 (ATRIP-TREX1 readthrough; plus strand). Cytogenetic location: 3p21.31.
Variant type: single nucleotide variant.
Coding change: c.1801C>G on transcript NM_130384.3 (MANE Select); coding-DNA position 1801, C replaced by G.
Protein change: p.Pro601Ala; replaces proline 601 with alanine.
Molecular consequence: missense variant. On other transcripts: non-coding transcript variant (1).
Genome position (GRCh38, 1-based): chr3:48,463,800, C>G. VCF-style: chr3-48463800-C-G. GRCh37 (hg19) VCF-style: chr3-48505199-C-G.
Other names: c.1420C>G, p.Pro474Ala (NM_001271022.2); c.1522C>G, p.Pro508Ala (NM_001271023.2); c.1801C>G, p.Pro601Ala (NM_032166.4); short protein forms P474A, P508A, P601A.
Identifiers: ClinVar variation 3809669 (VCV003809669.1).

ClinVar aggregate classification (germline): Uncertain significance (1 of 4 stars; one submission).

gnomAD v4.1: 1 of 1,614,196 alleles (0.000062%); highest among the groups gnomAD compares: Non-Finnish European, 0.000085%; no homozygotes.

Submission:

Ambry Genetics
Classification: Uncertain significance. Last evaluated: 2025-01-08. Review status: criteria provided, single submitter. Criteria: Ambry Variant Classification Scheme 2023. Collection method: clinical testing. Allele origin: germline.
Comment: The p.P601A variant (also known as c.1801C>G), located in coding exon 9 of the ATRIP gene, results from a C to G substitution at nucleotide position 1801. The proline at codon 601 is replaced by alanine, an amino acid with highly similar properties. This amino acid position is conserved. In addition, this alteration is predicted to be tolerated by in silico analysis. Based on the available evidence, the clinical significance of this variant remains unclear.